The following is an entry in ClinVar:

NM_170754.4(TNS2):c.2291G>A (p.Gly764Glu)

Gene: TNS2 (tensin 2; plus strand). Cytogenetic location: 12q13.13.
Variant type: single nucleotide variant.
Coding change: c.2291G>A on transcript NM_170754.4 (MANE Select); coding-DNA position 2291, G replaced by A.
Protein change: p.Gly764Glu; replaces glycine 764 with glutamic acid.
Molecular consequence: missense variant.
Genome position (GRCh38, 1-based): chr12:53,059,932, G>A. VCF-style: chr12-53059932-G-A. GRCh37 (hg19) VCF-style: chr12-53453716-G-A.
Other names: c.2291G>A, p.Gly764Glu (NM_001416202.1); c.2249G>A, p.Gly750Glu (NM_001416203.1); c.2318G>A, p.Gly773Glu (NM_001416204.1); c.2222G>A, p.Gly741Glu (NM_015319.3); c.1919G>A, p.Gly640Glu (NM_198316.2); short protein forms G764E, G774E, G640E, G741E, G750E, G773E.
Identifiers: ClinVar variation 2078083 (VCV002078083.6), dbSNP rs145888788, ClinGen allele CA6592567.

ClinVar aggregate classification (germline): Benign. Review status: criteria provided, single submitter (1 of 4 stars). 2 submissions from 2 submitters: Benign (1). 1 of the submissions does not count toward it. Last evaluated 2025-12-13.

Conditions:
TNS2-related disorder. Also called: TNS2-related condition.

Allele frequency attached by ClinVar (database versions not stated): TOPMed 0.00014; ESP Exome Variant Server 0.00015; gnomAD 0.00079; gnomAD exomes 0.00113; ExAC 0.00255; 1000 Genomes Project 30x 0.00468; 1000 Genomes Project 0.00539.
gnomAD v4.1: 1,760 of 1,611,038 alleles (0.11%); highest among the groups gnomAD compares: South Asian, 1.8%; 33 homozygotes.

Submissions (2):

Labcorp Genetics (formerly Invitae), Labcorp
Classification: Benign. Last evaluated: 2025-12-13. Review status: criteria provided, single submitter. Criteria: Invitae Variant Classification Sherloc (09022015). Collection method: clinical testing. Allele origin: germline.

PreventionGenetics, part of Exact Sciences
Classification: Benign for TNS2-related condition. Last evaluated: 2019-05-17. Review status: no assertion criteria provided. Collection method: clinical testing. Allele origin: germline. Not counted in ClinVar's aggregate classification.
Comment: This variant is classified as benign based on ACMG/AMP sequence variant interpretation guidelines (Richards et al. 2015 PMID: 25741868, with internal and published modifications).